The following is an entry in ClinVar:

NM_002691.4(POLD1):c.1137+13C>T

Gene: POLD1 (DNA polymerase delta 1, catalytic subunit; plus strand). Cytogenetic location: 19q13.33.
Variant type: single nucleotide variant.
Coding change: c.1137+13C>T on transcript NM_002691.4 (MANE Select); 13 bases into the intron after coding-DNA position 1137, C replaced by T.
Molecular consequence: intron variant.
Genome position (GRCh38, 1-based): chr19:50,403,232, C>T. VCF-style: chr19-50403232-C-T. GRCh37 (hg19) VCF-style: chr19-50906489-C-T.
Other names: c.1137+13C>T (NM_001256849.1, NM_001308632.1, LRG_785t2 and 1 more transcripts).
Identifiers: ClinVar variation 512581 (VCV000512581.11), dbSNP rs182659142, ClinGen allele CA9596029.

ClinVar aggregate classification (germline): Likely benign. Review status: criteria provided, multiple submitters, no conflicts (2 of 4 stars). 4 submissions from 4 submitters: Likely benign (4). Last evaluated 2025-12-29.

Conditions:
Familial colorectal cancer type X. Identifiers: Orphanet 440437, MedGen C3896578, MONDO:0018604.
Polymerase proofreading-related adenomatous polyposis. Also called: Polymerase proofreading associated polyposis; Polymerase proofreading–associated polyposis (PPAP). Identifiers: Orphanet 447877, MedGen C5202613, MONDO:0018653.
POLD1-related polyposis and colorectal cancer syndrome (CRCS10). Also called: Colorectal cancer 10; COLORECTAL CANCER, SUSCEPTIBILITY TO, ON CHROMOSOME 19q; Colorectal cancer, susceptibility to, 10. Identifiers: Orphanet 220460, MedGen C2675481, MONDO:0012953, OMIM 612591.

Allele frequency attached by ClinVar (database versions not stated): ExAC below 0.00001; gnomAD 0.00001; gnomAD exomes 0.00001; TOPMed 0.00002; 1000 Genomes Project 30x 0.00016; 1000 Genomes Project 0.00020.

Submissions (4):

Labcorp Genetics (formerly Invitae), Labcorp
Classification: Likely benign for POLD1-related polyposis and colorectal cancer syndrome. Last evaluated: 2025-12-29. Review status: criteria provided, single submitter. Criteria: Invitae Variant Classification Sherloc (09022015). Collection method: clinical testing. Allele origin: germline.

Blueprint Genetics
Classification: Likely benign. Last evaluated: 2024-04-16. Review status: criteria provided, single submitter. Criteria: ACMG Guidelines, 2015. Collection method: clinical testing. Allele origin: germline.

Department of Pathology and Laboratory Medicine, Sinai Health System
Classification: Likely benign for Polymerase proofreading-related adenomatous polyposis; Familial colorectal cancer type X. Last evaluated: 2022-07-14. Review status: criteria provided, single submitter. Criteria: ACMG Guidelines, 2015. Collection method: clinical testing. Allele origin: germline. Affected: yes.

GeneDx
Classification: Likely benign. Last evaluated: 2017-10-06. Review status: criteria provided, single submitter. Criteria: GeneDx Variant Classification (06012015). Collection method: clinical testing. Allele origin: germline. Affected: yes.
Comment: This variant is considered likely benign or benign based on one or more of the following criteria: it is a conservative change, it occurs at a poorly conserved position in the protein, it is predicted to be benign by multiple in silico algorithms, and/or has population frequency not consistent with disease.